The following is an entry in ClinVar:

NM_001267550.2(TTN):c.87505C>T (p.Gln29169Ter)

Genes: TTN (titin; minus strand), TTN-AS1 (TTN antisense RNA 1; plus strand). Cytogenetic location: 2q31.2.
Variant type: single nucleotide variant.
Coding change: c.87505C>T on transcript NM_001267550.2 (MANE Select); coding-DNA position 87505, C replaced by T.
Protein change: p.Gln29169Ter; replaces glutamine 29169 with a stop codon.
Molecular consequence: nonsense.
Genome position (GRCh38, 1-based): chr2:178,557,849, G>A on the plus strand (C>T on the coding strand, the complement: TTN is on the minus strand). VCF-style: chr2-178557849-G-A. GRCh37 (hg19) VCF-style: chr2-179422576-G-A.
Other names: c.82582C>T, p.Gln27528Ter (NM_001256850.1); c.60310C>T, p.Gln20104Ter (NM_003319.4); c.79801C>T, p.Gln26601Ter (NM_133378.4); c.60685C>T, p.Gln20229Ter (NM_133432.3); c.60886C>T, p.Gln20296Ter (NM_133437.4); short protein forms Q20296*, Q20104*, Q27528*, Q29169*, Q20229*, Q26601*.
Identifiers: ClinVar variation 2009124 (VCV002009124.4), dbSNP rs2469547573, ClinGen allele CA349535972.

ClinVar aggregate classification (germline): Likely pathogenic (1 of 4 stars; one submission).

Conditions:
Dilated cardiomyopathy 1G (CMD1G). Identifiers: Orphanet 154, MedGen C1858763, MONDO:0011400, OMIM 604145.
Autosomal recessive limb-girdle muscular dystrophy type 2J (LGMDR10). Also called: Limb-girdle muscular dystrophy, type 2J; MUSCULAR DYSTROPHY, LIMB-GIRDLE, AUTOSOMAL RECESSIVE 10. Identifiers: Orphanet 140922, MedGen C1837342, MONDO:0012127, OMIM 608807.

Submission:

Labcorp Genetics (formerly Invitae), Labcorp
Classification: Likely pathogenic for Dilated cardiomyopathy 1G; Autosomal recessive limb-girdle muscular dystrophy type 2J. Last evaluated: 2022-06-22. Review status: criteria provided, single submitter. Criteria: Invitae Variant Classification Sherloc (09022015). Collection method: clinical testing. Allele origin: germline.
Comment: In summary, the currently available evidence indicates that the variant is pathogenic, but additional data are needed to prove that conclusively. Therefore, this variant has been classified as Likely Pathogenic. This variant is located in the A band of TTN (PMID: 25589632). Truncating variants in this region are significantly overrepresented in patients affected with dilated cardiomyopathy (PMID: 25589632). Truncating variants in this region have also been reported in individuals affected with autosomal recessive centronuclear myopathy (PMID: 23975875). This variant has not been reported in the literature in individuals affected with TTN-related conditions. This variant is not present in population databases (gnomAD no frequency). This sequence change creates a premature translational stop signal (p.Gln29169*) in the TTN gene. While this is not anticipated to result in nonsense mediated decay, it is expected to create a truncated TTN protein.

Literature cited by the submitters: PubMed 25589632; PubMed 23975875.